The following is an entry in ClinVar:

NM_005862.3(STAG1):c.3094G>A (p.Glu1032Lys)

Gene: STAG1 (STAG1 cohesin complex component; minus strand). Cytogenetic location: 3q22.3.
Variant type: single nucleotide variant.
Coding change: c.3094G>A on transcript NM_005862.3 (MANE Select); coding-DNA position 3094, G replaced by A.
Protein change: p.Glu1032Lys; replaces glutamic acid 1032 with lysine.
Molecular consequence: missense variant.
Genome position (GRCh38, 1-based): chr3:136,349,335, C>T on the plus strand (G>A on the coding strand, the complement: STAG1 is on the minus strand). VCF-style: chr3-136349335-C-T. GRCh37 (hg19) VCF-style: chr3-136068177-C-T.
Other names: short protein forms E1032K.
Identifiers: ClinVar variation 5006549 (VCV005006549.2).

ClinVar aggregate classification (germline): Uncertain significance (1 of 4 stars; one submission).

Conditions:
Intellectual developmental disorder, autosomal dominant 47. Also called: MENTAL RETARDATION, AUTOSOMAL DOMINANT 47; Intellectual disability, autosomal dominant 47. Identifiers: Orphanet 502434, MedGen C4539951, MONDO:0030912, OMIM 617635.

gnomAD v4.1: 2 of 1,613,792 alleles (0.00012%); highest among the groups gnomAD compares: Admixed American, 0.0017%; no homozygotes.

Submission:

Juno Genomics, Hangzhou Juno Genomics, Inc
Classification: Uncertain significance for Intellectual developmental disorder, autosomal dominant 47. Review status: criteria provided, single submitter. Criteria: ACMG Guidelines, 2015. Collection method: clinical testing. Allele origin: germline.
Comment: Absent from controls (or at extremely low frequency if recessive) in Genome Aggregation Database.;De novo (both maternity and paternity confirmed) in a patient with the disease and no family history.;Missense variant in a gene that has a low rate of benign missense variation.;Multiple lines of computational evidence suggest no impact on gene or gene product.